The following is an entry in ClinVar:

ClinVar aggregate classification (germline): Uncertain significance (1 of 4 stars; one submission).

Conditions:
Regional enteritis. Also called: Enteritis, Granulomatous. Identifiers: MedGen C0678202, MeSH D003424.
Blau syndrome (BLAUS). Also called: ARTHROCUTANEOUVEAL GRANULOMATOSIS; GRANULOMATOSIS, FAMILIAL JUVENILE SYSTEMIC; GRANULOMATOSIS, FAMILIAL, BLAU TYPE; GRANULOMATOUS INFLAMMATORY ARTHRITIS, DERMATITIS, AND UVEITIS, FAMILIAL; JABS SYNDROME. Identifiers: Orphanet 90340, MedGen C5201146, MONDO:0008523, OMIM 186580.

gnomAD v4.1: 1 of 1,614,092 alleles (0.000062%); highest among the groups gnomAD compares: Non-Finnish European, 0.000085%; no homozygotes.

Submission:

Labcorp Genetics (formerly Invitae), Labcorp
Classification: Uncertain significance for Regional enteritis; Blau syndrome. Last evaluated: 2024-12-20. Review status: criteria provided, single submitter. Criteria: Invitae Variant Classification Sherloc (09022015). Collection method: clinical testing. Allele origin: germline.
Comment: This sequence change replaces glycine, which is neutral and non-polar, with aspartic acid, which is acidic and polar, at codon 302 of the NOD2 protein (p.Gly302Asp). This variant is not present in population databases (gnomAD no frequency). This variant has not been reported in the literature in individuals affected with NOD2-related conditions. Invitae Evidence Modeling of protein sequence and biophysical properties (such as structural, functional, and spatial information, amino acid conservation, physicochemical variation, residue mobility, and thermodynamic stability) has been performed for this missense variant. However, the output from this modeling did not meet the statistical confidence thresholds required to predict the impact of this variant on NOD2 protein function. In summary, the available evidence is currently insufficient to determine the role of this variant in disease. Therefore, it has been classified as a Variant of Uncertain Significance.

NM_001370466.1(NOD2):c.824G>A (p.Gly275Asp)

Gene: NOD2 (nucleotide binding oligomerization domain containing 2; plus strand). Cytogenetic location: 16q12.1.
Variant type: single nucleotide variant.
Coding change: c.824G>A on transcript NM_001370466.1 (MANE Select); coding-DNA position 824, G replaced by A.
Protein change: p.Gly275Asp; replaces glycine 275 with aspartic acid.
Molecular consequence: missense variant. On other transcripts: non-coding transcript variant (1).
Genome position (GRCh38, 1-based): chr16:50,710,816, G>A. VCF-style: chr16-50710816-G-A. GRCh37 (hg19) VCF-style: chr16-50744727-G-A.
Other names: c.824G>A, p.Gly275Asp (NM_001293557.2); c.905G>A, p.Gly302Asp (NM_022162.3); short protein forms G275D, G302D.
Identifiers: ClinVar variation 3759143 (VCV003759143.2).